The following is an entry in ClinVar:

NM_004722.4(AP4M1):c.544-8_544-3del

Gene: AP4M1 (adaptor related protein complex 4 subunit mu 1; plus strand). Cytogenetic location: 7q22.1.
Variant type: Deletion.
Coding change: c.544-8_544-3del on transcript NM_004722.4 (MANE Select); 8 bases into the intron before coding-DNA position 544 through 3 bases into the intron before coding-DNA position 544, 6 bases deleted (TTTCTC; older notation c.544-8_544-3delTTTCTC).
Molecular consequence: intron variant.
Genome position (GRCh38, 1-based): chr7:100,104,084-100,104,089, TTTCTC deleted; deleting any 6 consecutive bases within chr7:100,104,080-100,104,089 gives the same sequence; the c. name uses the placement nearest the transcript's 3' end. VCF-style (leftmost placement, unchanged base first): chr7-100104079-CTCTCTT-C. GRCh37 (hg19) VCF-style: chr7-99701702-CTCTCTT-C.
Other names: c.544-8_544-3delTTTCTC (NM_004722.3); c.565-8_565-3del (NM_001363671.2).
Identifiers: ClinVar variation 420267 (VCV000420267.3), dbSNP rs1064794383, ClinGen allele CA16618341.

ClinVar aggregate classification (germline): Uncertain significance. Review status: criteria provided, single submitter (1 of 4 stars). 2 submissions from 2 submitters: Uncertain significance (1). 1 of the submissions does not count toward it. Last evaluated 2017-12-26.

Conditions:
Spastic paraplegia. Identifiers: MedGen C0037772, HP:0001258.

Submissions (2):

GeneDx
Classification: Uncertain significance. Last evaluated: 2017-12-26. Review status: criteria provided, single submitter. Criteria: GeneDx Variant Classification (06012015). Collection method: clinical testing. Allele origin: germline. Affected: yes.
Comment: The c.544-8_544-3delTTTCTC variant in the AP4M1 gene has not been reported previously as a pathogenic variant nor as a benign variant, to our knowledge. One splice predictor model indicates this deletion will affect the splice acceptor site in intron 6, while other models indicate a milder effect. The c.544-8_544-3delTTTCTC variant was not observed in approximately 6,500 individuals of European and African American ancestry in the NHLBI Exome Sequencing Project, indicating it is not a common benign variant in these populations. We interpret c.544-8_544-3delTTTCTC as a variant of uncertain significance.

Yale Center for Mendelian Genomics, Yale University
Classification: Likely pathogenic for Spastic paraplegia. Last evaluated: 2020-10-01. Review status: no assertion criteria provided. Collection method: literature only. Allele origin: germline. Affected: yes. Observed: 1 compound heterozygote. Study: Yale Center for Mendelian Genomics. Not counted in ClinVar's aggregate classification.

Literature cited by the submitters: PubMed 32979048 (cited by Yale Center for Mendelian Genomics, Yale University).